The following is an entry in ClinVar:

ClinVar aggregate classification (germline): Benign. Review status: criteria provided, multiple submitters, no conflicts (2 of 4 stars). 11 submissions from 10 submitters: Benign (9). 2 of the submissions do not count toward it. Last evaluated 2026-02-04.

Conditions:
CEDNIK syndrome. Also called: CEREBRAL DYSGENESIS, NEUROPATHY, ICHTHYOSIS, AND PALMOPLANTAR KERATODERMA SYNDROME; Cerebral dysgenesis, neuropathy, ichthyosis, and palmoplantar keratoderma. Identifiers: Orphanet 66631, MedGen C1836033, MONDO:0012290, OMIM 609528.

Allele frequency attached by ClinVar (database versions not stated): 1000 Genomes Project 30x 0.39147; 1000 Genomes Project 0.40355; TOPMed 0.41360; ESP Exome Variant Server 0.41655; gnomAD 0.44050 and 0.44722; gnomAD exomes 0.51480 and 0.54190; ExAC 0.53581.
gnomAD v4.1: 853,629 of 1,603,778 alleles (53%); highest among the groups gnomAD compares: South Asian, 60%; 234,123 homozygotes.

Submissions (11):

Labcorp Genetics (formerly Invitae), Labcorp
Classification: Benign. Last evaluated: 2026-02-04. Review status: criteria provided, single submitter. Criteria: Invitae Variant Classification Sherloc (09022015). Collection method: clinical testing. Allele origin: germline.

Blueprint Genetics
Classification: Benign. Last evaluated: 2024-11-28. Review status: criteria provided, single submitter. Criteria: ACMG Guidelines, 2015. Collection method: clinical testing. Allele origin: germline.

Genome-Nilou Lab
Classification: Benign for CEDNIK syndrome. Last evaluated: 2021-07-15. Review status: criteria provided, single submitter. Criteria: ACMG Guidelines, 2015. Collection method: clinical testing. Allele origin: germline. Affected: no.

GeneDx
Classification: Benign. Last evaluated: 2021-06-21. Review status: criteria provided, single submitter. Criteria: GeneDx Variant Classification Process June 2021. Collection method: clinical testing. Allele origin: germline. Affected: yes.

Athena Diagnostics
Classification: Benign. Last evaluated: 2018-05-07. Review status: criteria provided, single submitter. Criteria: Athena Diagnostics Criteria. Collection method: clinical testing. Allele origin: germline.

Mayo Clinic Laboratories, Mayo Clinic
Classification: Benign. Last evaluated: 2018-03-12. Review status: criteria provided, single submitter. Criteria: ACMG Guidelines, 2015. Collection method: clinical testing. Allele origin: germline. Observed: 1,314 variant alleles.

Illumina Laboratory Services, Illumina
Classification: Benign for CEDNIK syndrome. Last evaluated: 2018-01-13. Review status: criteria provided, single submitter. Criteria: ICSL Variant Classification Criteria 13 December 2019. Collection method: clinical testing. Allele origin: germline.
Comment: This variant was observed in the ICSL laboratory as part of a predisposition screen in an ostensibly healthy population. It had not been previously curated by ICSL or reported in the Human Gene Mutation Database (HGMD: prior to June 1st, 2018), and was therefore a candidate for classification through an automated scoring system. Utilizing variant allele frequency, disease prevalence and penetrance estimates, and inheritance mode, an automated score was calculated to assess if this variant is too frequent to cause the disease. Based on the score and internal cut-off values, a variant classified as benign is not then subjected to further curation. The score for this variant resulted in a classification of benign for this disease.

Clinical Genetics DNA and cytogenetics Diagnostics Lab, Erasmus MC, Erasmus Medical Center
Classification: Benign for CEDNIK syndrome. Last evaluated: 2017-06-28. Review status: criteria provided, single submitter. Criteria: ACGS Guidelines, 2013. Collection method: clinical testing. Allele origin: germline. Affected: yes. Study: VKGL Data-share Consensus.

Breakthrough Genomics
Classification: Benign. Review status: criteria provided, single submitter. Criteria: ACMG Guidelines, 2015. Collection method: not provided. Allele origin: germline. Inheritance: Autosomal recessive inheritance. Affected: yes.

Diagnostic Laboratory, Department of Genetics, University Medical Center Groningen
Classification: Benign for CEDNIK syndrome. Review status: no assertion criteria provided. Collection method: clinical testing. Allele origin: germline. Affected: yes. Study: VKGL Data-share Consensus. Not counted in ClinVar's aggregate classification.

GeneDx
Classification: Benign. Last evaluated: 2015-07-06. Review status: flagged submission. Criteria: GeneDx Variant Classification (06012015). Collection method: clinical testing. Allele origin: germline. Affected: yes. Not counted in ClinVar's aggregate classification.
Comment: This variant is considered likely benign or benign based on one or more of the following criteria: it is a conservative change, it occurs at a poorly conserved position in the protein, it is predicted to be benign by multiple in silico algorithms, and/or has population frequency not consistent with disease.
ClinVar note: Reason: This record appears to be redundant with a more recent record from the same submitter.
ClinVar note: Notes: SCV000514716 appears to be redundant with SCV001846982.

NM_004782.4(SNAP29):c.18A>G (p.Lys6=)

Genes: PI4KA (phosphatidylinositol 4-kinase alpha; minus strand), SNAP29 (synaptosome associated protein 29; plus strand). Cytogenetic location: 22q11.21.
Variant type: single nucleotide variant.
Coding change: c.18A>G on transcript NM_004782.4 (MANE Select); coding-DNA position 18, A replaced by G.
Protein change: p.Lys6=; no amino-acid change (lysine 6 retained).
Molecular consequence: synonymous variant.
Genome position (GRCh38, 1-based): chr22:20,859,128, A>G. VCF-style: chr22-20859128-A-G. GRCh37 (hg19) VCF-style: chr22-21213416-A-G.
Other names: p.Lys6=.
Identifiers: ClinVar variation 340830 (VCV000340830.21), dbSNP rs1061064, ClinGen allele CA10116983.